The following is an entry in ClinVar:

NM_004168.4(SDHA):c.1756A>C (p.Lys586Gln)

Gene: SDHA (succinate dehydrogenase complex flavoprotein subunit A; plus strand). Cytogenetic location: 5p15.33.
Variant type: single nucleotide variant.
Coding change: c.1756A>C on transcript NM_004168.4 (MANE Select); coding-DNA position 1756, A replaced by C.
Protein change: p.Lys586Gln; replaces lysine 586 with glutamine.
Molecular consequence: missense variant. On other transcripts: intron variant (1).
Genome position (GRCh38, 1-based): chr5:251,430, A>C. VCF-style: chr5-251430-A-C. GRCh37 (hg19) VCF-style: chr5-251545-A-C.
Other names: c.1612A>C, p.Lys538Gln (NM_001294332.2); c.1552-2963A>C (NM_001330758.2); short protein forms K586Q, K538Q.
Identifiers: ClinVar variation 2951895 (VCV002951895.3), dbSNP rs1736823607, ClinGen allele CA359000287.

ClinVar aggregate classification (germline): Uncertain significance (1 of 4 stars; one submission).

Conditions:
Mitochondrial complex II deficiency, nuclear type 1. Also called: SUCCINATE CoQ REDUCTASE DEFICIENCY. Identifiers: Orphanet 3208, MedGen C5700310, MONDO:0100294, OMIM 252011.
Pheochromocytoma/paraganglioma syndrome 5. Also called: Paragangliomas 5; SDHA-Related Hereditary Paraganglioma-Pheochromocytoma Syndrome. Identifiers: Orphanet 29072, MedGen C3279992, MONDO:0013602, OMIM 614165.

Submission:

Labcorp Genetics (formerly Invitae), Labcorp
Classification: Uncertain significance for Pheochromocytoma/paraganglioma syndrome 5; Mitochondrial complex II deficiency, nuclear type 1. Last evaluated: 2023-09-12. Review status: criteria provided, single submitter. Criteria: Invitae Variant Classification Sherloc (09022015). Collection method: clinical testing. Allele origin: germline.
Comment: Advanced modeling of protein sequence and biophysical properties (such as structural, functional, and spatial information, amino acid conservation, physicochemical variation, residue mobility, and thermodynamic stability) performed at Invitae indicates that this missense variant is not expected to disrupt SDHA protein function. In summary, the available evidence is currently insufficient to determine the role of this variant in disease. Therefore, it has been classified as a Variant of Uncertain Significance. This variant has not been reported in the literature in individuals affected with SDHA-related conditions. This sequence change replaces lysine, which is basic and polar, with glutamine, which is neutral and polar, at codon 586 of the SDHA protein (p.Lys586Gln). This variant is not present in population databases (gnomAD no frequency).